The following is an entry in ClinVar:

ClinVar aggregate classification (germline): Uncertain significance (1 of 4 stars; one submission).

Conditions:
Retinoblastoma (RB1). Also called: RETINOBLASTOMA, SOMATIC. Identifiers: Orphanet 790, MedGen C0035335, MeSH D012175, MONDO:0008380, OMIM 180200, HP:0009919. Disease mechanism: loss of function. Inheritance: Both sporadic and heritable forms are tested..

Submission:

Labcorp Genetics (formerly Invitae), Labcorp
Classification: Uncertain significance for Retinoblastoma. Last evaluated: 2023-12-01. Review status: criteria provided, single submitter. Criteria: Invitae Variant Classification Sherloc (09022015). Collection method: clinical testing. Allele origin: germline.
Comment: This sequence change replaces histidine, which is basic and polar, with asparagine, which is neutral and polar, at codon 686 of the RB1 protein (p.His686Asn). This variant is not present in population databases (gnomAD no frequency). This variant has not been reported in the literature in individuals affected with RB1-related conditions. ClinVar contains an entry for this variant (Variation ID: 1933259). Advanced modeling of protein sequence and biophysical properties (such as structural, functional, and spatial information, amino acid conservation, physicochemical variation, residue mobility, and thermodynamic stability) has been performed at Invitae for this missense variant, however the output from this modeling did not meet the statistical confidence thresholds required to predict the impact of this variant on RB1 protein function. In summary, the available evidence is currently insufficient to determine the role of this variant in disease. Therefore, it has been classified as a Variant of Uncertain Significance.

NM_000321.3(RB1):c.2056C>A (p.His686Asn)

Gene: RB1 (RB transcriptional corepressor 1; plus strand). Cytogenetic location: 13q14.2.
Variant type: single nucleotide variant.
Coding change: c.2056C>A on transcript NM_000321.3 (MANE Select); coding-DNA position 2056, C replaced by A.
Protein change: p.His686Asn; replaces histidine 686 with asparagine.
Molecular consequence: missense variant.
Genome position (GRCh38, 1-based): chr13:48,459,783, C>A. VCF-style: chr13-48459783-C-A. GRCh37 (hg19) VCF-style: chr13-49033919-C-A.
Other names: c.2056C>A, p.His686Asn (NM_001407165.1); short protein forms H686N.
Identifiers: ClinVar variation 1933259 (VCV001933259.5), dbSNP rs2138336268, ClinGen allele CA388166862.